The following is an entry in ClinVar:

ClinVar aggregate classification (germline): Uncertain significance. Review status: criteria provided, multiple submitters, no conflicts (2 of 4 stars). 2 submissions from 2 submitters: Uncertain significance (2). Last evaluated 2025-12-21.

Conditions:
Dilated cardiomyopathy 1G (CMD1G). Identifiers: Orphanet 154, MedGen C1858763, MONDO:0011400, OMIM 604145.
Autosomal recessive limb-girdle muscular dystrophy type 2J (LGMDR10). Also called: Limb-girdle muscular dystrophy, type 2J; MUSCULAR DYSTROPHY, LIMB-GIRDLE, AUTOSOMAL RECESSIVE 10. Identifiers: Orphanet 140922, MedGen C1837342, MONDO:0012127, OMIM 608807.

Allele frequency attached by ClinVar (database versions not stated): gnomAD exomes below 0.00001; TOPMed below 0.00001.
gnomAD v4.1: 1 of 1,613,542 alleles (0.000062%); highest among the groups gnomAD compares: African/African-American, 0.0013%; no homozygotes.

Submissions (2):

Labcorp Genetics (formerly Invitae), Labcorp
Classification: Uncertain significance for Dilated cardiomyopathy 1G; Autosomal recessive limb-girdle muscular dystrophy type 2J. Last evaluated: 2025-12-21. Review status: criteria provided, single submitter. Criteria: Invitae Variant Classification Sherloc (09022015). Collection method: clinical testing. Allele origin: germline.
Comment: This sequence change replaces valine, which is neutral and non-polar, with leucine, which is neutral and non-polar, at codon 34890 of the TTN protein (p.Val34890Leu). This variant is not present in population databases (gnomAD no frequency). This variant has not been reported in the literature in individuals affected with TTN-related conditions. ClinVar contains an entry for this variant (Variation ID: 2083576). Experimental studies and prediction algorithms are not available or were not evaluated, and the functional significance of this variant is currently unknown. This variant is located in the M band of TTN (PMID: 25589632). Non-truncating variants in this region may be relevant for neuromuscular disorders, but have not been definitively shown to cause cardiomyopathy (PMID: 23975875). In summary, the available evidence is currently insufficient to determine the role of this variant in disease. Therefore, it has been classified as a Variant of Uncertain Significance.

IMHOTEP Cardiovascular Genetics Laboratory, University of Cape Town
Classification: Uncertain significance for Dilated cardiomyopathy 1G. Last evaluated: 2025-07-14. Review status: criteria provided, single submitter. Criteria: ACMG Guidelines, 2015. Collection method: research. Allele origin: germline. Inheritance: Autosomal unknown. Affected: yes.
Comment: Using ACMG/AMP PM1; BP4 and BP7 criteria, the classification of this variant is "Uncertain Significance".

Literature cited by the submitters: PubMed 25589632 (cited by Labcorp Genetics (formerly Invitae), Labcorp and IMHOTEP Cardiovascular Genetics Laboratory, University of Cape Town); PubMed 23975875 (cited by Labcorp Genetics (formerly Invitae), Labcorp and IMHOTEP Cardiovascular Genetics Laboratory, University of Cape Town).

NM_001267550.2(TTN):c.104668G>C (p.Val34890Leu)

Genes: TTN-AS1 (TTN antisense RNA 1; plus strand), TTN (titin; minus strand). Cytogenetic location: 2q31.2.
Variant type: single nucleotide variant.
Coding change: c.104668G>C on transcript NM_001267550.2 (MANE Select); coding-DNA position 104668, G replaced by C.
Protein change: p.Val34890Leu; replaces valine 34890 with leucine.
Molecular consequence: missense variant.
Genome position (GRCh38, 1-based): chr2:178,531,947, C>G on the plus strand (G>C on the coding strand, the complement: TTN is on the minus strand). VCF-style: chr2-178531947-C-G. GRCh37 (hg19) VCF-style: chr2-179396674-C-G.
Other names: c.99745G>C, p.Val33249Leu (NM_001256850.1); c.77473G>C, p.Val25825Leu (NM_003319.4); c.96964G>C, p.Val32322Leu (NM_133378.4); c.77848G>C, p.Val25950Leu (NM_133432.3); c.78049G>C, p.Val26017Leu (NM_133437.4); short protein forms V25825L, V25950L, V26017L, V32322L, V33249L, V34890L.
Identifiers: ClinVar variation 2083576 (VCV002083576.5), dbSNP rs1689303369, ClinGen allele CA349411184.
Genomic context (GRCh38, chr2:178,531,947, plus strand): 5'-TGGAAAAGATATCAAATCTTGCAGACCTCTCAAATCTCGAGAGTGATCTCTCACTAGACA[C>G]AGGGCTGGGGGATCGTGGGCGAGTTCTCTCTGGAGTAGGTGACCTTCTTTCTGTGTCATC-3'
Protein context (NP_001254479.2, residues 34880-34900): ERTRPRSPSP[Val34890Leu]SSERSLSRFE